The following is an entry in ClinVar:

ClinVar aggregate classification (germline): Uncertain significance (1 of 4 stars; one submission).

Submission:

Labcorp Genetics (formerly Invitae), Labcorp
Classification: Uncertain significance. Last evaluated: 2023-02-24. Review status: criteria provided, single submitter. Criteria: Invitae Variant Classification Sherloc (09022015). Collection method: clinical testing. Allele origin: germline.
Comment: In summary, the available evidence is currently insufficient to determine the role of this variant in disease. Therefore, it has been classified as a Variant of Uncertain Significance. Experimental studies and prediction algorithms are not available or were not evaluated, and the functional significance of this variant is currently unknown. This variant has not been reported in the literature in individuals affected with AMER1-related conditions. This variant is present in population databases (no rsID available, gnomAD 0.004%), including at least one homozygous and/or hemizygous individual. This sequence change creates a premature translational stop signal (p.Ser1059Valfs*71) in the AMER1 gene. While this is not anticipated to result in nonsense mediated decay, it is expected to disrupt the last 77 amino acid(s) of the AMER1 protein.

NM_152424.4(AMER1):c.3174del (p.Ser1059fs)

Gene: AMER1 (APC membrane recruitment protein 1; minus strand). Cytogenetic location: Xq11.2.
Variant type: Deletion.
Coding change: c.3174del on transcript NM_152424.4 (MANE Select); coding-DNA position 3174, one base deleted (C; older notation c.3174delC).
Protein change: p.Ser1059fs; shifts the reading frame from serine 1059.
Molecular consequence: frameshift variant.
Genome position (GRCh38, 1-based): chrX:64,190,113, G deleted on the plus strand (C on the coding strand, the reverse complement: AMER1 is on the minus strand); the first of 3 consecutive G bases (chrX:64,190,113-64,190,115); deleting any one gives the same sequence. VCF-style (leftmost placement, unchanged base first): chrX-64190112-TG-T. GRCh37 (hg19) VCF-style: chrX-63409992-TG-T.
Other names: short protein forms S1059fs.
Identifiers: ClinVar variation 2837922 (VCV002837922.3), dbSNP rs1425853386, ClinGen allele CA642470721.